The following is an entry in ClinVar:

ClinVar aggregate classification (germline): Pathogenic/Likely pathogenic. Review status: criteria provided, multiple submitters, no conflicts (2 of 4 stars). 4 submissions from 4 submitters: Pathogenic (1); Likely pathogenic (3). Last evaluated 2026-02-09.

Conditions:
Bardet-Biedl syndrome (BBS). Identifiers: Orphanet 110, MedGen C0752166, MONDO:0015229.
BBS7-related disorder. Also called: BBS7-related condition.
Bardet-Biedl syndrome 7 (BBS7). Identifiers: Orphanet 110, MedGen C1859565, MONDO:0014435, OMIM 615984.

Submissions (4):

Clinical Genetics and Genomics, Karolinska University Hospital
Classification: Pathogenic for Bardet-Biedl syndrome 7. Last evaluated: 2026-02-09. Review status: criteria provided, single submitter. Criteria: ACMG Guidelines, 2015. Collection method: clinical testing. Allele origin: germline. Inheritance: Autosomal recessive inheritance. Affected: yes.

PreventionGenetics, part of Exact Sciences
Classification: Likely pathogenic for BBS7-related condition. Last evaluated: 2024-11-20. Review status: criteria provided, single submitter. Criteria: ACMG Guidelines, 2015. Collection method: clinical testing. Allele origin: germline.
Comment: The BBS7 c.1306-1_1308delGTCA variant is predicted to result in a deletion affecting a canonical splice site. To our knowledge, this variant has not been reported in the literature in patients with BBS7-related disorders. This variant is reported in 0.044% of alleles in individuals of European (Finnish) descent in gnomAD. Variants that disrupt the consensus splice donor site in BBS7 are expected to be pathogenic. This variant is interpreted as likely pathogenic.

Fulgent Genetics
Classification: Likely pathogenic for Bardet-Biedl syndrome 7. Last evaluated: 2024-06-03. Review status: criteria provided, single submitter. Criteria: ACMG Guidelines, 2015. Collection method: clinical testing. Allele origin: germline.

Labcorp Genetics (formerly Invitae), Labcorp
Classification: Likely pathogenic for Bardet-Biedl syndrome. Last evaluated: 2024-02-17. Review status: criteria provided, single submitter. Criteria: Invitae Variant Classification Sherloc (09022015). Collection method: clinical testing. Allele origin: germline.
Comment: This variant results in the deletion of part of exon 13 (c.1306-1_1308del) of the BBS7 gene. It is expected to disrupt RNA splicing. Variants that disrupt the donor or acceptor splice site typically lead to a loss of protein function (PMID: 16199547), and loss-of-function variants in BBS7 are known to be pathogenic (PMID: 12567324, 19402160, 21209035, 31196119). This variant is present in population databases (rs779436749, gnomAD 0.03%). This variant has not been reported in the literature in individuals affected with BBS7-related conditions. ClinVar contains an entry for this variant (Variation ID: 2058921). In summary, the currently available evidence indicates that the variant is pathogenic, but additional data are needed to prove that conclusively. Therefore, this variant has been classified as Likely Pathogenic.

Literature cited by the submitters: PubMed 16199547 (cited by Labcorp Genetics (formerly Invitae), Labcorp); PubMed 12567324 (cited by Labcorp Genetics (formerly Invitae), Labcorp); PubMed 19402160 (cited by Labcorp Genetics (formerly Invitae), Labcorp); PubMed 21209035 (cited by Labcorp Genetics (formerly Invitae), Labcorp); PubMed 31196119 (cited by Labcorp Genetics (formerly Invitae), Labcorp).

NM_176824.3(BBS7):c.1306-1_1308del

Gene: BBS7 (Bardet-Biedl syndrome 7; minus strand). Cytogenetic location: 4q27.
Variant type: Deletion.
Coding change: c.1306-1_1308del on transcript NM_176824.3 (MANE Select); the canonical splice acceptor site of the intron before coding-DNA position 1306 through coding-DNA position 1308, 4 bases deleted (GTCA; older notation c.1306-1_1308delGTCA).
Molecular consequence: splice acceptor variant.
Genome position (GRCh38, 1-based): chr4:121,839,694-121,839,697, TGAC deleted on the plus strand (GTCA on the coding strand, the reverse complement: BBS7 is on the minus strand); deleting any 4 consecutive bases within chr4:121,839,694-121,839,699 gives the same sequence; the c. name uses the placement nearest the transcript's 3' end. VCF-style (leftmost placement, unchanged base first): chr4-121839693-TTGAC-T. GRCh37 (hg19) VCF-style: chr4-122760848-TTGAC-T.
Other names: c.1306-1_1308delGTCA (NM_176824.2); c.1306-1_1308del (NM_018190.4).
Identifiers: ClinVar variation 2058921 (VCV002058921.12), dbSNP rs779436749, ClinGen allele CA3064259.